The following is an entry in ClinVar:

ClinVar aggregate classification (germline): Conflicting classifications of pathogenicity. Review status: criteria provided, conflicting classifications (1 of 4 stars). 4 submissions from 4 submitters: Uncertain significance (3); Likely benign (1). Last evaluated 2025-11-03.

Conditions:
Episodic ataxia, type 9. Identifiers: MedGen C5394520, MONDO:0030064, OMIM 618924.
Seizures, benign familial infantile, 3 (BFIS3). Also called: CONVULSIONS, BENIGN FAMILIAL INFANTILE, 3; Familial neonatal seizures. Identifiers: Orphanet 140927, Orphanet 306, MedGen C1843140, MONDO:0011904, OMIM 607745.
Developmental and epileptic encephalopathy, 11 (DEE11). Also called: Early infantile epileptic encephalopathy 11. Identifiers: Orphanet 1934, MedGen C3150987, MONDO:0013388, OMIM 613721.

Allele frequency attached by ClinVar (database versions not stated): ExAC 0.00001; gnomAD 0.00001; TOPMed 0.00001; gnomAD exomes 0.00001.
gnomAD v4.1: 12 of 1,613,822 alleles (0.00074%); highest among the groups gnomAD compares: Admixed American, 0.0017%; no homozygotes.

Submissions (4):

Labcorp Genetics (formerly Invitae), Labcorp
Classification: Likely benign for Seizures, benign familial infantile, 3; Developmental and epileptic encephalopathy, 11. Last evaluated: 2025-11-03. Review status: criteria provided, single submitter. Criteria: Invitae Variant Classification Sherloc (09022015). Collection method: clinical testing. Allele origin: germline.

Dasa
Classification: Uncertain significance for Developmental and epileptic encephalopathy, 11. Last evaluated: 2024-10-23. Review status: criteria provided, single submitter. Criteria: DASA Assertion Criteria. Collection method: clinical testing. Allele origin: germline.
Comment: NM_001040142.2(SCN2A):c.3530G>A (p.Arg1177Gln) is a missense variant that results in the substitution of arginine with glutamine. This variant is rare in population databases. Computational prediction algorithms are consistent with a benign effect. The currently available literature and clinical evidence are not sufficient to establish a definitive association between this variant and the reported condition. Therefore, this variant is classified as a variant of uncertain significance.

Genomic Medicine Center of Excellence, King Faisal Specialist Hospital and Research Centre
Classification: Uncertain significance for Episodic ataxia, type 9. Last evaluated: 2024-09-22. Review status: criteria provided, single submitter. Criteria: ACMG Guidelines, 2015. Collection method: clinical testing. Allele origin: germline.

GeneDx
Classification: Uncertain significance. Last evaluated: 2022-01-07. Review status: criteria provided, single submitter. Criteria: GeneDx Variant Classification Process June 2021. Collection method: clinical testing. Allele origin: germline. Affected: yes.
Comment: Not observed at significant frequency in large population cohorts (gnomAD); Missense variants in this gene are often considered pathogenic (HGMD); In silico analysis supports that this missense variant does not alter protein structure/function; Has not been previously published as pathogenic or benign to our knowledge; This substitution is predicted to be in the cytoplasmic loop between the second and third homologous domains

NM_001040142.2(SCN2A):c.3530G>A (p.Arg1177Gln)

Gene: SCN2A (sodium voltage-gated channel alpha subunit 2; plus strand). Cytogenetic location: 2q24.3.
Variant type: single nucleotide variant.
Coding change: c.3530G>A on transcript NM_001040142.2 (MANE Select); coding-DNA position 3530, G replaced by A.
Protein change: p.Arg1177Gln; replaces arginine 1177 with glutamine.
Molecular consequence: missense variant.
Genome position (GRCh38, 1-based): chr2:165,367,226, G>A. VCF-style: chr2-165367226-G-A. GRCh37 (hg19) VCF-style: chr2-166223736-G-A.
Other names: c.3530G>A, p.Arg1177Gln (NM_001040143.2, NM_001371246.1, NM_001371247.1 and 1 more transcripts); short protein forms R1177Q.
Identifiers: ClinVar variation 1059921 (VCV001059921.13), dbSNP rs773202451, ClinGen allele CA1940131.